The following is an entry in ClinVar:

ClinVar aggregate classification (germline): Benign. Review status: criteria provided, multiple submitters, no conflicts (2 of 4 stars). 6 submissions from 5 submitters: Benign (6). Last evaluated 2026-02-04.

Conditions:
Pigmentary retinal dystrophy. Also called: Fundus albipunctatus. Identifiers: Orphanet 227796, Orphanet 52427, MedGen C0311338, MONDO:0007639, OMIM 136880, HP:0030642.
Bothnia retinal dystrophy. Also called: VASTERBOTTEN DYSTROPHY. Identifiers: Orphanet 85128, MedGen C1843816, MONDO:0011838, OMIM 607475.

Allele frequency attached by ClinVar (database versions not stated): 1000 Genomes Project 30x 0.25297; 1000 Genomes Project 0.25619; TOPMed 0.28852; gnomAD 0.30776 and 0.30980; ESP Exome Variant Server 0.31882; gnomAD exomes 0.33606 and 0.37111; ExAC 0.33742.
gnomAD v4.1: 587,859 of 1,611,466 alleles (36%); highest among the groups gnomAD compares: Non-Finnish European, 39%; 110,965 homozygotes.

Submissions (6):

Labcorp Genetics (formerly Invitae), Labcorp
Classification: Benign. Last evaluated: 2026-02-04. Review status: criteria provided, single submitter. Criteria: Invitae Variant Classification Sherloc (09022015). Collection method: clinical testing. Allele origin: germline.

Blueprint Genetics
Classification: Benign. Last evaluated: 2024-11-28. Review status: criteria provided, single submitter. Criteria: ACMG Guidelines, 2015. Collection method: clinical testing. Allele origin: germline.

Genome-Nilou Lab
Classification: Benign for Bothnia retinal dystrophy. Last evaluated: 2021-11-07. Review status: criteria provided, single submitter. Criteria: ACMG Guidelines, 2015. Collection method: clinical testing. Allele origin: germline. Affected: no.

Genome-Nilou Lab
Classification: Benign for Pigmentary retinal dystrophy. Last evaluated: 2021-11-07. Review status: criteria provided, single submitter. Criteria: ACMG Guidelines, 2015. Collection method: clinical testing. Allele origin: germline. Affected: no.

GeneDx
Classification: Benign. Last evaluated: 2015-08-14. Review status: criteria provided, single submitter. Criteria: GeneDx Variant Classification (06012015). Collection method: clinical testing. Allele origin: germline. Affected: yes.
Comment: This variant is considered likely benign or benign based on one or more of the following criteria: it is a conservative change, it occurs at a poorly conserved position in the protein, it is predicted to be benign by multiple in silico algorithms, and/or has population frequency not consistent with disease.

Breakthrough Genomics
Classification: Benign. Review status: criteria provided, single submitter. Criteria: ACMG Guidelines, 2015. Collection method: not provided. Allele origin: germline. Inheritance: Autosomal recessive inheritance. Affected: yes.

NM_000326.5(RLBP1):c.684+20C>T

Gene: RLBP1 (retinaldehyde binding protein 1; minus strand). Cytogenetic location: 15q26.1.
Variant type: single nucleotide variant.
Coding change: c.684+20C>T on transcript NM_000326.5 (MANE Select); 20 bases into the intron after coding-DNA position 684, C replaced by T.
Molecular consequence: intron variant.
Genome position (GRCh38, 1-based): chr15:89,211,723, G>A on the plus strand (C>T on the coding strand, the complement: RLBP1 is on the minus strand). VCF-style: chr15-89211723-G-A. GRCh37 (hg19) VCF-style: chr15-89754954-G-A.
Identifiers: ClinVar variation 378479 (VCV000378479.15), dbSNP rs950541, ClinGen allele CA7722226.
Genomic context (GRCh38, chr15:89,211,723, plus strand): 5'-CAAGCACCATGAAAGGAGGCCCAGCCTCTCAGCCTCCCCAGCTGTGGGAGGCTGCCGTGC[G>A]ACAGAACTCTAAGCCTCACCTGGAGCATGTCCACCATCTTCCTGAGATCTGAAGTCCGGA-3'